The following is an entry in ClinVar:

NM_001999.4(FBN2):c.6353C>T (p.Ala2118Val)

Gene: FBN2 (fibrillin 2; minus strand). Cytogenetic location: 5q23.3.
Variant type: single nucleotide variant.
Coding change: c.6353C>T on transcript NM_001999.4 (MANE Select); coding-DNA position 6353, C replaced by T.
Protein change: p.Ala2118Val; replaces alanine 2118 with valine.
Molecular consequence: missense variant.
Genome position (GRCh38, 1-based): chr5:128,290,824, G>A on the plus strand (C>T on the coding strand, the complement: FBN2 is on the minus strand). VCF-style: chr5-128290824-G-A. GRCh37 (hg19) VCF-style: chr5-127626516-G-A.
Other names: short protein forms A2118V.
Identifiers: ClinVar variation 2822543 (VCV002822543.3), dbSNP rs1213071122, ClinGen allele CA360763950.

ClinVar aggregate classification (germline): Uncertain significance (1 of 4 stars; one submission).

Conditions:
Congenital contractural arachnodactyly (CCA). Also called: Beals-Hecht syndrome; BEALS SYNDROME; Arthrogryposis, distal, type 9. Identifiers: Orphanet 115, MedGen C0220668, MONDO:0007363, OMIM 121050.

Allele frequency attached by ClinVar (database versions not stated): gnomAD 0.00001; TOPMed 0.00001.
gnomAD v4.1: 3 of 1,613,946 alleles (0.00019%); highest among the groups gnomAD compares: Non-Finnish European, 0.00025%; no homozygotes.

Submission:

Labcorp Genetics (formerly Invitae), Labcorp
Classification: Uncertain significance for Congenital contractural arachnodactyly. Last evaluated: 2022-12-20. Review status: criteria provided, single submitter. Criteria: Invitae Variant Classification Sherloc (09022015). Collection method: clinical testing. Allele origin: germline.
Comment: This sequence change replaces alanine, which is neutral and non-polar, with valine, which is neutral and non-polar, at codon 2118 of the FBN2 protein (p.Ala2118Val). In summary, the available evidence is currently insufficient to determine the role of this variant in disease. Therefore, it has been classified as a Variant of Uncertain Significance. Advanced modeling of protein sequence and biophysical properties (such as structural, functional, and spatial information, amino acid conservation, physicochemical variation, residue mobility, and thermodynamic stability) has been performed at Invitae for this missense variant, however the output from this modeling did not meet the statistical confidence thresholds required to predict the impact of this variant on FBN2 protein function. This variant has not been reported in the literature in individuals affected with FBN2-related conditions. This variant is not present in population databases (gnomAD no frequency).